The following is an entry in ClinVar:

NM_004004.6(GJB2):c.550C>T (p.Arg184Trp)

Gene: GJB2 (gap junction protein beta 2; minus strand). Cytogenetic location: 13q12.11.
Variant type: single nucleotide variant.
Coding change: c.550C>T on transcript NM_004004.6 (MANE Select); coding-DNA position 550, C replaced by T.
Protein change: p.Arg184Trp; replaces arginine 184 with tryptophan.
Molecular consequence: missense variant.
Genome position (GRCh38, 1-based): chr13:20,189,032, G>A on the plus strand (C>T on the coding strand, the complement: GJB2 is on the minus strand). VCF-style: chr13-20189032-G-A. GRCh37 (hg19) VCF-style: chr13-20763171-G-A.
Other names: short protein forms R184W.
Identifiers: ClinVar variation 560669 (VCV000560669.21), dbSNP rs998045226, ClinGen allele CA246459909.

ClinVar aggregate classification (germline): Pathogenic/Likely pathogenic. Review status: criteria provided, multiple submitters, no conflicts (2 of 4 stars). 11 submissions from 11 submitters: Pathogenic (6); Likely pathogenic (2). 3 of the submissions do not count toward it. Last evaluated 2026-09-01.

Conditions:
Autosomal recessive nonsyndromic hearing loss 1A (DFNB1A). Also called: GJB6-Related DFNB 1 Nonsyndromic Hearing Loss and Deafness; Deafness, autosomal recessive 1A; Deafness nonsyndromic, Connexin 26 linked; Connexin 26 deafness; Nonsyndromic Hearing Loss and Deafness, DFNB1; GJB2-Related Autosomal Recessive Nonsyndromic Hearing Loss. Identifiers: Orphanet 90636, MedGen C2673759, MONDO:0009076, OMIM 220290.
Mutilating keratoderma (VOWNKL). Also called: Keratoderma hereditarium mutilans. Identifiers: Orphanet 494, MedGen C0265964, MONDO:0007422, OMIM 124500.
Ichthyosis, hystrix-like, with hearing loss. Also called: Hystrix-like ichthyosis with deafness. Identifiers: Orphanet 477, MedGen C1865234, MONDO:0011245.
Palmoplantar keratoderma-deafness syndrome. Also called: Keratoderma palmoplantar, with deafness; Palmoplantar keratoderma and sensorineural deafness; Hereditary palmoplantar keratoderma with deafness (subtype); Focal palmoplantar keratoderma with sensorineural deafness (subtype); Diffuse palmoplantar keratoderma with deafness (subtype). Identifiers: Orphanet 2202, MedGen C1835672, MONDO:0007852, OMIM 148350.
Knuckle pads, deafness AND leukonychia syndrome. Also called: Bart-Pumphrey syndrome. Identifiers: Orphanet 2698, MedGen C0266004, MONDO:0007866, OMIM 149200.
Autosomal dominant keratitis-ichthyosis-hearing loss syndrome. Also called: HID SYNDROME; Senter syndrome; KID SYNDROME, AUTOSOMAL DOMINANT. Identifiers: Orphanet 477, MedGen C0265336, MONDO:0007850, OMIM 148210.
Autosomal dominant nonsyndromic hearing loss 3A. Identifiers: Orphanet 90635, MedGen C2675750, MONDO:0011103, OMIM 601544.
GJB2-related disorder. Also called: GJB2-related condition; GJB2-related disorders. Identifiers: MedGen CN382183, MONDO:1060236.
Hearing loss. Identifiers: MedGen C3887873.

Allele frequency attached by ClinVar (database versions not stated): TOPMed 0.00002; gnomAD exomes 0.00001; gnomAD 0.00003.

Submissions (11):

CeGaT Center for Human Genetics Tuebingen
Classification: Pathogenic. Last evaluated: 2026-09-01. Review status: criteria provided, single submitter. Criteria: CeGaT Center For Human Genetics Tuebingen Variant Classification Criteria Version 2. Collection method: clinical testing. Allele origin: germline. Affected: yes. Observed: 1 variant allele.
Comment: GJB2: PM3:Very Strong, PM1, PM2, PM5, PP3

Labcorp Genetics (formerly Invitae), Labcorp
Classification: Pathogenic. Last evaluated: 2025-12-17. Review status: criteria provided, single submitter. Criteria: Invitae Variant Classification Sherloc (09022015). Collection method: clinical testing. Allele origin: germline.
Comment: This sequence change replaces arginine, which is basic and polar, with tryptophan, which is neutral and slightly polar, at codon 184 of the GJB2 protein (p.Arg184Trp). This variant is present in population databases (no rsID available, gnomAD 0.004%). This missense change has been observed in individuals with autosomal recessive nonsyndromic deafness (PMID: 14985372, 20650534, 30068397). ClinVar contains an entry for this variant (Variation ID: 560669). Invitae Evidence Modeling of protein sequence and biophysical properties (such as structural, functional, and spatial information, amino acid conservation, physicochemical variation, residue mobility, and thermodynamic stability) has been performed for this missense variant. However, the output from this modeling did not meet the statistical confidence thresholds required to predict the impact of this variant on GJB2 protein function. This variant disrupts the p.Arg184 amino acid residue in GJB2. Other variant(s) that disrupt this residue have been determined to be pathogenic (PMID: 10874298, 12176036, 12189493, 12505163, 15241677, 18941476, 19371219, 25708704, 26117665). This suggests that this residue is clinically significant, and that variants that disrupt this residue are likely to be disease-causing. For these reasons, this variant has been classified as Pathogenic.

Fulgent Genetics
Classification: Likely pathogenic for Mutilating keratoderma; Autosomal dominant keratitis-ichthyosis-hearing loss syndrome; Palmoplantar keratoderma-deafness syndrome; Knuckle pads, deafness AND leukonychia syndrome; Autosomal recessive nonsyndromic hearing loss 1A; Autosomal dominant nonsyndromic hearing loss 3A. Last evaluated: 2024-05-02. Review status: criteria provided, single submitter. Criteria: ACMG Guidelines, 2015. Collection method: clinical testing. Allele origin: germline.

3billion
Classification: Likely pathogenic for Autosomal recessive nonsyndromic hearing loss 1A. Last evaluated: 2023-12-20. Review status: criteria provided, single submitter. Criteria: ACMG Guidelines, 2015. Collection method: clinical testing. Allele origin: germline. Affected: yes.
Comment: The variant is observed at an extremely low frequency in the gnomAD v2.1.1 dataset (total allele frequency: 0.002%). Predicted Consequence/Location: Missense variant In silico tool predictions suggest damaging effect of the variant on gene or gene product [REVEL: 0.95 (>=0.6, sensitivity 0.68 and specificity 0.92); 3Cnet: 0.99 (>=0.6, sensitivity 0.72 and precision 0.9)]. Same nucleotide change resulting in same amino acid change has been previously reported as pathogenic/likely pathogenic with strong evidence (ClinVar ID: VCV000560669 /PMID: 10830906). Different missense changes at the same codon (p.Arg184Gln, p.Arg184Gly, p.Arg184Pro) have been reported as pathogenic/likely pathogenic with strong evidence (ClinVar ID: VCV000017007, VCV000029662 /PMID: 10544226, 11439000, 12497637). Therefore, this variant is classified as Likely pathogenic according to the recommendation of ACMG/AMP guideline.

GeneDx
Classification: Pathogenic. Last evaluated: 2022-06-21. Review status: criteria provided, single submitter. Criteria: GeneDx Variant Classification Process June 2021. Collection method: clinical testing. Allele origin: germline. Affected: yes.
Comment: In silico analysis supports that this missense variant has a deleterious effect on protein structure/function; This variant is associated with the following publications: (PMID: 10830906, 25388846, 21728791, 16380907, 26096904, 20650534, 31827275)

Mendelics
Classification: Pathogenic for Mutilating keratoderma. Last evaluated: 2022-05-04. Review status: criteria provided, single submitter. Criteria: Mendelics Assertion Criteria 2019. Collection method: clinical testing. Allele origin: germline.

Blueprint Genetics
Classification: Pathogenic for GJB2-related disorders. Last evaluated: 2021-07-23. Review status: criteria provided, single submitter. Criteria: ACMG Guidelines, 2015. Collection method: clinical testing. Allele origin: germline. Affected: yes. Observed: 1 variant allele.

Victorian Clinical Genetics Services, Murdoch Childrens Research Institute
Classification: Pathogenic for Autosomal recessive nonsyndromic hearing loss 1A. Last evaluated: 2017-07-12. Review status: criteria provided, single submitter. Criteria: ACMG Guidelines, 2015. Collection method: clinical testing. Allele origin: unknown. Affected: yes.
Comment: The NM_004004.5(GJB2):c.550C>T missense variant identified in exon 2 of GJB2, is predicted to create a major amino acid change from an arginine to a tryptophan at amino acid position 184, NP_003995.2(GJB2):p.(Arg184Trp). The arginine at this position has high conservation (100 vertebrates, UCSC). In silico software predicts this variant to be disease causing. It is situated within the cysteine rich domain of theGJB2 protein. This variant has been observed in a population database at a frequency of 0.00001% (ExAC, GnomAD). This variant has been reported as a pathogenic variant in multiple patients with hearing loss (Deafness variation database, The Connexin-deafness homepage). Based on current information and in association with the NM_004004.5(GJB2):c.101T>C missense variant, this variant has been classified as PATHOGENIC. The presence of these two variants suggests a possible compound heterozygous mode of inheritance which is consistent with autosomal recessive deafness.

Natera, Inc.
Classification: Pathogenic for Autosomal recessive deafness type 1A. Last evaluated: 2020-08-31. Review status: no assertion criteria provided. Collection method: clinical testing. Allele origin: germline. Not counted in ClinVar's aggregate classification.

Hearing and Balance Clinic, First Affliiated Hospital of Kunming Medical University
Classification: Pathogenic for Autosomal dominant nonsyndromic hearing loss 3A. Last evaluated: 2020-03-25. Review status: no assertion criteria provided. Collection method: clinical testing. Allele origin: inherited. Inheritance: Autosomal recessive inheritance. Affected: yes. Observed: 1 homozygote. Not counted in ClinVar's aggregate classification.
Comment: Arg184Trp variant in GJB2 has been found in a Chinese family with autosomal recessive inheritance hearing loss, segregated with the disease in the family members.

Clinical Molecular Genetics Laboratory, Johns Hopkins All Children's Hospital
Classification: Pathogenic for Hearing loss. Last evaluated: 2006-11-10. Review status: no assertion criteria provided. Collection method: clinical testing. Allele origin: germline. Affected: yes. Not counted in ClinVar's aggregate classification.

Literature cited by the submitters: PubMed 14985372 (cited by Labcorp Genetics (formerly Invitae), Labcorp); PubMed 20650534 (cited by Labcorp Genetics (formerly Invitae), Labcorp); PubMed 30068397 (cited by Labcorp Genetics (formerly Invitae), Labcorp); PubMed 10874298 (cited by Labcorp Genetics (formerly Invitae), Labcorp); PubMed 12176036 (cited by Labcorp Genetics (formerly Invitae), Labcorp); PubMed 12189493 (cited by Labcorp Genetics (formerly Invitae), Labcorp); PubMed 12505163 (cited by Labcorp Genetics (formerly Invitae), Labcorp); PubMed 15241677 (cited by Labcorp Genetics (formerly Invitae), Labcorp); PubMed 18941476 (cited by Labcorp Genetics (formerly Invitae), Labcorp); PubMed 19371219 (cited by Labcorp Genetics (formerly Invitae), Labcorp); PubMed 25708704 (cited by Labcorp Genetics (formerly Invitae), Labcorp); PubMed 26117665 (cited by Labcorp Genetics (formerly Invitae), Labcorp); PubMed 10830906 (cited by 3billion); PubMed 10544226 (cited by 3billion).